The following is an entry in ClinVar:

NM_052947.4(ALPK2):c.752G>A (p.Gly251Asp)

Genes: ALPK2 (alpha kinase 2; minus strand), LOC114803473 (ALPK2 eExon liver enhancer; plus strand). Cytogenetic location: 18q21.31.
Variant type: single nucleotide variant.
Coding change: c.752G>A on transcript NM_052947.4 (MANE Select); coding-DNA position 752, G replaced by A.
Protein change: p.Gly251Asp; replaces glycine 251 with aspartic acid.
Molecular consequence: missense variant.
Genome position (GRCh38, 1-based): chr18:58,580,024, C>T on the plus strand (G>A on the coding strand, the complement: ALPK2 is on the minus strand). VCF-style: chr18-58580024-C-T. GRCh37 (hg19) VCF-style: chr18-56247256-C-T.
Other names: short protein forms G251D.
Identifiers: ClinVar variation 1759368 (VCV001759368.3), dbSNP rs1208110863, ClinGen allele CA402567286.

ClinVar aggregate classification (germline): Uncertain significance (1 of 4 stars; one submission).

Allele frequency attached by ClinVar (database versions not stated): gnomAD exomes below 0.00001; gnomAD 0.00001; TOPMed 0.00001.
gnomAD v4.1: 3 of 1,614,128 alleles (0.00019%); highest among the groups gnomAD compares: African/African-American, 0.004%; no homozygotes.

Submission:

Ambry Genetics
Classification: Uncertain significance. Last evaluated: 2024-04-27. Review status: criteria provided, single submitter. Criteria: Ambry Variant Classification Scheme 2023. Collection method: clinical testing. Allele origin: germline.
Comment: The p.G251D variant (also known as c.752G>A), located in coding exon 3 of the ALPK2 gene, results from a G to A substitution at nucleotide position 752. The glycine at codon 251 is replaced by aspartic acid, an amino acid with similar properties. This amino acid position is conserved. In addition, this alteration is predicted to be tolerated by in silico analysis. Since supporting evidence is limited at this time, the clinical significance of this alteration remains unclear.